The following is an entry in ClinVar:

NM_005732.4(RAD50):c.2801dup (p.Asn934fs)

Gene: RAD50 (RAD50 double strand break repair protein; plus strand). Cytogenetic location: 5q31.1.
Variant type: Duplication.
Coding change: c.2801dup on transcript NM_005732.4 (MANE Select); coding-DNA position 2801, one base duplicated (A; older notation c.2801dupA).
Protein change: p.Asn934fs; shifts the reading frame from asparagine 934.
Molecular consequence: frameshift variant.
Genome position (GRCh38, 1-based): chr5:132,608,697, A duplicated; the last of 8 consecutive A bases (chr5:132,608,690-132,608,697); duplicating any one gives the same sequence. VCF-style (leftmost placement, unchanged base first): chr5-132608689-C-CA. GRCh37 (hg19) VCF-style: chr5-131944381-C-CA.
Other names: c.2801dupA (NM_005732.3); short protein forms N934fs.
Identifiers: ClinVar variation 480396 (VCV000480396.16), dbSNP rs748536322, ClinGen allele CA3405455.

ClinVar aggregate classification (germline): Pathogenic/Likely pathogenic. Review status: criteria provided, multiple submitters, no conflicts (2 of 4 stars). 4 submissions from 4 submitters: Pathogenic (2); Likely pathogenic (2). Last evaluated 2025-05-23.

Conditions:
Hereditary cancer-predisposing syndrome. Also called: Neoplastic Syndromes, Hereditary; Tumor predisposition; Hereditary neoplastic syndrome; Hereditary Cancer Syndrome. Identifiers: Orphanet 140162, MedGen C0027672, MeSH D009386, MONDO:0015356.
Nijmegen breakage syndrome-like disorder (NBSLD). Also called: MICROCEPHALY AND SPONTANEOUS CHROMOSOME INSTABILITY WITHOUT IMMUNODEFICIENCY; NBS-LIKE DISORDER; RAD50 DEFICIENCY. Identifiers: Orphanet 240760, MedGen C2751318, MONDO:0013118, OMIM 613078.

Submissions (4):

Dasa
Classification: Likely pathogenic. Last evaluated: 2025-05-23. Review status: criteria provided, single submitter. Criteria: DASA Assertion Criteria. Collection method: clinical testing. Allele origin: germline.
Comment: NM_005732.4(RAD50):c.2801dup (p.Asn934LysfsTer10) is a frameshift variant in RAD50 predicted to alter the reading frame and introduce a premature termination codon and is predicted to result in an absent or altered protein product. Loss of function is an established disease mechanism for RAD50-associated disorders. Also, this variant is rare in population databases. Based on the currently available evidence, this variant is classified as likely pathogenic.

Labcorp Genetics (formerly Invitae), Labcorp
Classification: Pathogenic for Hereditary cancer-predisposing syndrome. Last evaluated: 2024-04-16. Review status: criteria provided, single submitter. Criteria: Invitae Variant Classification Sherloc (09022015). Collection method: clinical testing. Allele origin: germline.
Comment: This sequence change creates a premature translational stop signal (p.Asn934Lysfs*10) in the RAD50 gene. It is expected to result in an absent or disrupted protein product. Loss-of-function variants in RAD50 are known to be pathogenic (PMID: 19409520). The frequency data for this variant in the population databases is considered unreliable, as metrics indicate poor data quality at this position in the gnomAD database. This variant has not been reported in the literature in individuals affected with RAD50-related conditions. ClinVar contains an entry for this variant (Variation ID: 480396). For these reasons, this variant has been classified as Pathogenic.

Ambry Genetics
Classification: Pathogenic for Hereditary cancer-predisposing syndrome. Last evaluated: 2022-09-21. Review status: criteria provided, single submitter. Criteria: Ambry Variant Classification Scheme 2023. Collection method: clinical testing. Allele origin: germline.
Comment: The c.2801dupA pathogenic mutation, located in coding exon 17 of the RAD50 gene, results from a duplication of A at nucleotide position 2801, causing a translational frameshift with a predicted alternate stop codon (p.N934Kfs*10). This alteration is expected to result in loss of function by premature protein truncation or nonsense-mediated mRNA decay. As such, this alteration is interpreted as a disease-causing mutation.

Baylor Genetics
Classification: Likely pathogenic for Nijmegen breakage syndrome-like disorder. Last evaluated: 2021-12-16. Review status: criteria provided, single submitter. Criteria: ACMG Guidelines, 2015. Collection method: clinical testing. Allele origin: unknown.

Literature cited by the submitters: PubMed 19409520 (cited by Labcorp Genetics (formerly Invitae), Labcorp).